The following is an entry in ClinVar:

NM_001244008.2(KIF1A):c.3793A>C (p.Met1265Leu)

Genes: KIF1A (kinesin family member 1A; minus strand), LOC126806583 (P300/CBP strongly-dependent group 1 enhancer GRCh37_chr2:241678910-241680109; plus strand). Cytogenetic location: 2q37.3.
Variant type: single nucleotide variant.
Coding change: c.3793A>C on transcript NM_001244008.2 (MANE Select); coding-DNA position 3793, A replaced by C.
Protein change: p.Met1265Leu; replaces methionine 1265 with leucine.
Molecular consequence: missense variant.
Genome position (GRCh38, 1-based): chr2:240,740,321, T>G on the plus strand (A>C on the coding strand, the complement: KIF1A is on the minus strand). VCF-style: chr2-240740321-T-G. GRCh37 (hg19) VCF-style: chr2-241679738-T-G.
Other names: c.3517A>C, p.Met1173Leu (NM_001320705.2, NM_001330289.2, NM_001379638.1); c.3592A>C, p.Met1198Leu (NM_001330290.2, NM_001379634.1, NM_001379635.1 and 1 more transcripts); c.3868A>C, p.Met1290Leu (NM_001379631.1); c.3742A>C, p.Met1248Leu (NM_001379632.1); c.3766A>C, p.Met1256Leu (NM_001379633.1, NM_001379642.1, NM_001379645.1); c.3490A>C, p.Met1164Leu (NM_001379636.1, NM_001379639.1, NM_001379641.1 and 6 more transcripts); c.3565A>C, p.Met1189Leu (NM_001379637.1, NM_001379648.1); c.3487A>C, p.Met1163Leu (NM_001379640.1); short protein forms M1248L, M1256L, M1163L, M1198L, M1265L, M1290L, M1173L, M1189L.
Identifiers: ClinVar variation 2016158 (VCV002016158.4), dbSNP rs369486573, ClinGen allele CA351314808.
Genomic context (GRCh38, chr2:240,740,321, plus strand): 5'-GGGACACAGGCAGGGTAGGGGCAAGAGGGGCTCACACCTGGTGGAGGAGGAAGGTCCCCA[T>G]GCATGGCATGCCCCCACGGTGGTCCACCACGGCCGGGATGTAACTGGAAGAGAGAGACAC-3'
Protein context (NP_001230937.1, residues 1255-1275): VVDHRGGMPC[Met1265Leu]GTFLLHQGIQ

ClinVar aggregate classification (germline): Uncertain significance (1 of 4 stars; one submission).

Conditions:
Hereditary spastic paraplegia 30. Identifiers: Orphanet 101010, MedGen C5235139, MONDO:0012476.
Neuropathy, hereditary sensory, type 2C. Also called: Hereditary sensory and autonomic neuropathy type IIC; KIF1A-Related HSAN2 (HSAN2C). Identifiers: Orphanet 970, MedGen C3280168, MONDO:0013634, OMIM 614213.
Intellectual disability, autosomal dominant 9 (NESCAVS). Also called: NESCAV SYNDROME; KIF1A-Related Neurodevelopmental Disorder. Identifiers: Orphanet 662367, MedGen C5393830, MONDO:0013656, OMIM 614255.

Submission:

Labcorp Genetics (formerly Invitae), Labcorp
Classification: Uncertain significance for Hereditary spastic paraplegia 30; Neuropathy, hereditary sensory, type 2C; Intellectual disability, autosomal dominant 9. Last evaluated: 2024-06-04. Review status: criteria provided, single submitter. Criteria: Invitae Variant Classification Sherloc (09022015). Collection method: clinical testing. Allele origin: germline.
Comment: This sequence change replaces methionine, which is neutral and non-polar, with leucine, which is neutral and non-polar, at codon 1164 of the KIF1A protein (p.Met1164Leu). This variant is not present in population databases (gnomAD no frequency). This variant has not been reported in the literature in individuals affected with KIF1A-related conditions. ClinVar contains an entry for this variant (Variation ID: 2016158). Advanced modeling of protein sequence and biophysical properties (such as structural, functional, and spatial information, amino acid conservation, physicochemical variation, residue mobility, and thermodynamic stability) performed at Invitae indicates that this missense variant is not expected to disrupt KIF1A protein function with a negative predictive value of 95%. In summary, the available evidence is currently insufficient to determine the role of this variant in disease. Therefore, it has been classified as a Variant of Uncertain Significance.